The following is an entry in ClinVar:

NM_030948.6(PHACTR1):c.311C>A (p.Thr104Asn)

Gene: PHACTR1 (phosphatase and actin regulator 1; plus strand). Cytogenetic location: 6p24.1.
Variant type: single nucleotide variant.
Coding change: c.311C>A on transcript NM_030948.6 (MANE Select); coding-DNA position 311, C replaced by A.
Protein change: p.Thr104Asn; replaces threonine 104 with asparagine.
Molecular consequence: missense variant.
Genome position (GRCh38, 1-based): chr6:13,053,425, C>A. VCF-style: chr6-13053425-C-A. GRCh37 (hg19) VCF-style: chr6-13053657-C-A.
Other names: c.311C>A, p.Thr104Asn (NM_001242648.4, NM_001322308.3, NM_001322309.3 and 3 more transcripts); c.35C>A, p.Thr12Asn (NM_001322311.2, NM_001322312.3, NM_001322313.2 and 1 more transcripts); c.314C>A, p.Thr105Asn (NM_001322314.4); short protein forms T104N, T105N, T12N.
Identifiers: ClinVar variation 4975594 (VCV004975594.1).

ClinVar aggregate classification (germline): Uncertain significance (1 of 4 stars; one submission).

Submission:

GeneDx
Classification: Uncertain significance. Last evaluated: 2026-01-30. Review status: criteria provided, single submitter. Criteria: GeneDx Variant Classification Process June 2021. Collection method: clinical testing. Allele origin: germline.
Comment: Not observed at significant frequency in large population cohorts (gnomAD); In silico analysis supports that this missense variant has a deleterious effect on protein structure/function; Has not been previously published as pathogenic or benign to our knowledge